The following is an entry in ClinVar:

ClinVar aggregate classification (germline): Uncertain significance (1 of 4 stars; one submission).

Allele frequency attached by ClinVar (database versions not stated): gnomAD exomes below 0.00001.
gnomAD v4.1: 1 of 1,612,610 alleles (0.000062%); highest among the groups gnomAD compares: Non-Finnish European, 0.000085%; no homozygotes.

Submission:

Labcorp Genetics (formerly Invitae), Labcorp
Classification: Uncertain significance. Last evaluated: 2022-03-15. Review status: criteria provided, single submitter. Criteria: Invitae Variant Classification Sherloc (09022015). Collection method: clinical testing. Allele origin: germline.
Comment: This sequence change replaces methionine, which is neutral and non-polar, with threonine, which is neutral and polar, at codon 4865 of the ADGRV1 protein (p.Met4865Thr). This variant is not present in population databases (gnomAD no frequency). This variant has not been reported in the literature in individuals affected with ADGRV1-related conditions. Algorithms developed to predict the effect of missense changes on protein structure and function output the following: SIFT: "Tolerated"; PolyPhen-2: "Benign"; Align-GVGD: "Class C0". The threonine amino acid residue is found in multiple mammalian species, which suggests that this missense change does not adversely affect protein function. In summary, the available evidence is currently insufficient to determine the role of this variant in disease. Therefore, it has been classified as a Variant of Uncertain Significance.

NM_032119.4(ADGRV1):c.14594T>C (p.Met4865Thr)

Gene: ADGRV1 (adhesion G protein-coupled receptor V1; plus strand). Cytogenetic location: 5q14.3.
Variant type: single nucleotide variant.
Coding change: c.14594T>C on transcript NM_032119.4 (MANE Select); coding-DNA position 14594, T replaced by C.
Protein change: p.Met4865Thr; replaces methionine 4865 with threonine.
Molecular consequence: missense variant. On other transcripts: non-coding transcript variant (1).
Genome position (GRCh38, 1-based): chr5:90,802,815, T>C. VCF-style: chr5-90802815-T-C. GRCh37 (hg19) VCF-style: chr5-90098632-T-C.
Other names: short protein forms M4865T.
Identifiers: ClinVar variation 2112306 (VCV002112306.4), dbSNP rs1761514938, ClinGen allele CA360405067.